The following is an entry in ClinVar:

ClinVar aggregate classification (germline): Uncertain significance. Review status: criteria provided, multiple submitters, no conflicts (2 of 4 stars). 3 submissions from 3 submitters: Uncertain significance (3). Last evaluated 2024-05-14.

Conditions:
Hereditary cancer-predisposing syndrome. Also called: Neoplastic Syndromes, Hereditary; Tumor predisposition; Hereditary Cancer Syndrome; Hereditary neoplastic syndrome. Identifiers: Orphanet 140162, MedGen C0027672, MeSH D009386, MONDO:0015356.
Peutz-Jeghers syndrome (PJS). Also called: POLYPOSIS, HAMARTOMATOUS INTESTINAL; POLYPS-AND-SPOTS SYNDROME; Peutz-Jeghers polyposis; Periorificial lentiginosis syndrome. Identifiers: Orphanet 2869, MedGen C0031269, MeSH D010580, MONDO:0008280, OMIM 175200.

Allele frequency attached by ClinVar (database versions not stated): TOPMed 0.00001.
gnomAD v4.1: 2 of 1,613,664 alleles (0.00012%); highest among the groups gnomAD compares: African/African-American, 0.0027%; no homozygotes.

Submissions (3):

All of Us Research Program, National Institutes of Health
Classification: Uncertain significance for Peutz-Jeghers syndrome. Last evaluated: 2024-05-14. Review status: criteria provided, single submitter. Criteria: ACMG Guidelines, 2015. Collection method: clinical testing. Allele origin: germline. Inheritance: Autosomal dominant inheritance. Observed: 1 variant allele, 1 heterozygote.
Comment: This missense variant replaces arginine with threonine at codon 104 of the STK11 protein. Computational prediction is inconclusive regarding the impact of this variant on protein structure and function (internally defined REVEL score threshold 0.5 < inconclusive < 0.7, PMID: 27666373). To our knowledge, functional studies have not been reported for this variant. This variant has not been reported in individuals affected with STK11-related disorders in the literature. This variant has not been identified in the general population by the Genome Aggregation Database (gnomAD). The available evidence is insufficient to determine the role of this variant in disease conclusively. Therefore, this variant is classified as a Variant of Uncertain Significance.

This study involves interpretation of variants in research participants for the purpose of population health screening. Participant phenotype was not available at the time of variant classification. Additional details can be found in publication PMID: 35346344, PMCID: PMC8962531

Labcorp Genetics (formerly Invitae), Labcorp
Classification: Uncertain significance for Peutz-Jeghers syndrome. Last evaluated: 2023-09-28. Review status: criteria provided, single submitter. Criteria: Invitae Variant Classification Sherloc (09022015). Collection method: clinical testing. Allele origin: germline.
Comment: This sequence change replaces arginine, which is basic and polar, with threonine, which is neutral and polar, at codon 104 of the STK11 protein (p.Arg104Thr). This variant is not present in population databases (gnomAD no frequency). This variant has not been reported in the literature in individuals affected with STK11-related conditions. ClinVar contains an entry for this variant (Variation ID: 1727849). Advanced modeling of protein sequence and biophysical properties (such as structural, functional, and spatial information, amino acid conservation, physicochemical variation, residue mobility, and thermodynamic stability) performed at Invitae indicates that this missense variant is not expected to disrupt STK11 protein function. In summary, the available evidence is currently insufficient to determine the role of this variant in disease. Therefore, it has been classified as a Variant of Uncertain Significance.

Ambry Genetics
Classification: Uncertain significance for Hereditary cancer-predisposing syndrome. Last evaluated: 2023-07-18. Review status: criteria provided, single submitter. Criteria: Ambry Variant Classification Scheme 2023. Collection method: clinical testing. Allele origin: germline.
Comment: The p.R104T variant (also known as c.311G>C), located in coding exon 2 of the STK11 gene, results from a G to C substitution at nucleotide position 311. The arginine at codon 104 is replaced by threonine, an amino acid with similar properties. This amino acid position is highly conserved in available vertebrate species. In addition, the in silico prediction for this alteration is inconclusive. Since supporting evidence is limited at this time, the clinical significance of this alteration remains unclear.

NM_000455.5(STK11):c.311G>C (p.Arg104Thr)

Gene: STK11 (serine/threonine kinase 11; plus strand). Cytogenetic location: 19p13.3.
Variant type: single nucleotide variant.
Coding change: c.311G>C on transcript NM_000455.5 (MANE Select); coding-DNA position 311, G replaced by C.
Protein change: p.Arg104Thr; replaces arginine 104 with threonine.
Molecular consequence: missense variant.
Genome position (GRCh38, 1-based): chr19:1,218,437, G>C. VCF-style: chr19-1218437-G-C. GRCh37 (hg19) VCF-style: chr19-1218436-G-C.
Other names: c.311G>C, p.Arg104Thr (NM_001407255.1); short protein forms R104T.
Identifiers: ClinVar variation 1727849 (VCV001727849.5), dbSNP rs1406974389, ClinGen allele CA402947676.